The following is an entry in ClinVar:

NM_001849.4(COL6A2):c.1895C>T (p.Thr632Ile)

Gene: COL6A2 (collagen type VI alpha 2 chain; plus strand). Cytogenetic location: 21q22.3.
Variant type: single nucleotide variant.
Coding change: c.1895C>T on transcript NM_001849.4 (MANE Select); coding-DNA position 1895, C replaced by T.
Protein change: p.Thr632Ile; replaces threonine 632 with isoleucine.
Molecular consequence: missense variant.
Genome position (GRCh38, 1-based): chr21:46,125,543, C>T. VCF-style: chr21-46125543-C-T. GRCh37 (hg19) VCF-style: chr21-47545457-C-T.
Other names: c.1895C>T, p.Thr632Ile (NM_058174.3, NM_058175.3); short protein forms T632I.
Identifiers: ClinVar variation 593331 (VCV000593331.10), dbSNP rs1042338524, ClinGen allele CA321972317.

ClinVar aggregate classification (germline): Uncertain significance. Review status: criteria provided, multiple submitters, no conflicts (2 of 4 stars). 3 submissions from 3 submitters: Uncertain significance (3). Last evaluated 2024-04-30.

Conditions:
Bethlem myopathy 1A. Also called: Bethlem myopathy 1; MYOPATHY, BENIGN CONGENITAL, WITH CONTRACTURES; Bethlem Muscular Dystrophy. Identifiers: Orphanet 610, MedGen CN029274, MONDO:0024530, OMIM 158810.

Allele frequency attached by ClinVar (database versions not stated): gnomAD exomes below 0.00001; TOPMed below 0.00001; gnomAD 0.00001.
gnomAD v4.1: 6 of 1,612,856 alleles (0.00037%); highest among the groups gnomAD compares: Non-Finnish European, 0.00051%; no homozygotes.

Submissions (3):

Labcorp Genetics (formerly Invitae), Labcorp
Classification: Uncertain significance for Bethlem myopathy 1A. Last evaluated: 2024-04-30. Review status: criteria provided, single submitter. Criteria: Invitae Variant Classification Sherloc (09022015). Collection method: clinical testing. Allele origin: germline.
Comment: This sequence change replaces threonine, which is neutral and polar, with isoleucine, which is neutral and non-polar, at codon 632 of the COL6A2 protein (p.Thr632Ile). This variant is present in population databases (no rsID available, gnomAD 0.0009%). This variant has not been reported in the literature in individuals affected with COL6A2-related conditions. ClinVar contains an entry for this variant (Variation ID: 593331). Advanced modeling of protein sequence and biophysical properties (such as structural, functional, and spatial information, amino acid conservation, physicochemical variation, residue mobility, and thermodynamic stability) performed at Invitae indicates that this missense variant is expected to disrupt COL6A2 protein function with a positive predictive value of 80%. In summary, the available evidence is currently insufficient to determine the role of this variant in disease. Therefore, it has been classified as a Variant of Uncertain Significance.

Revvity Omics, Revvity
Classification: Uncertain significance. Last evaluated: 2019-01-16. Review status: criteria provided, single submitter. Criteria: ACMG Guidelines, 2015. Collection method: clinical testing. Allele origin: germline.

Eurofins Ntd Llc (ga)
Classification: Uncertain significance. Last evaluated: 2017-07-27. Review status: criteria provided, single submitter. Criteria: EGL Classification Definitions 2015. Collection method: clinical testing. Allele origin: germline. Observed: 1 variant allele, 1 heterozygote.